The following is an entry in ClinVar:

NM_032119.4(ADGRV1):c.2636C>T (p.Thr879Met)

Gene: ADGRV1 (adhesion G protein-coupled receptor V1; plus strand). Cytogenetic location: 5q14.3.
Variant type: single nucleotide variant.
Coding change: c.2636C>T on transcript NM_032119.4 (MANE Select); coding-DNA position 2636, C replaced by T.
Protein change: p.Thr879Met; replaces threonine 879 with methionine.
Molecular consequence: missense variant. On other transcripts: non-coding transcript variant (1).
Genome position (GRCh38, 1-based): chr5:90,643,885, C>T. VCF-style: chr5-90643885-C-T. GRCh37 (hg19) VCF-style: chr5-89939702-C-T.
Other names: short protein forms T879M.
Identifiers: ClinVar variation 853185 (VCV000853185.52), dbSNP rs201007778, ClinGen allele CA3338977.

ClinVar aggregate classification (germline): Conflicting classifications of pathogenicity. Review status: criteria provided, conflicting classifications (1 of 4 stars). 11 submissions from 11 submitters: Uncertain significance (7); Likely benign (2). 2 of the submissions do not count toward it. Last evaluated 2026-10-07.

Conditions:
Usher syndrome type 2C. Also called: USHER SYNDROME, TYPE IIC; Usher syndrome, type 2B. Identifiers: Orphanet 231178, Orphanet 886, MedGen C2931213, MONDO:0011558, OMIM 605472.
Hearing impairment. Also called: Impaired Hearing. Identifiers: MedGen C1384666, MONDO:0005365, HP:0000365.
ADGRV1-related disorder. Also called: ADGRV1-related condition; ADGRV1-related disorders.
Febrile seizures, familial, 4 (FEB4). Also called: CONVULSIONS, FAMILIAL FEBRILE, 4. Identifiers: MedGen C1858493, MONDO:0011443, OMIM 604352.

Allele frequency attached by ClinVar (database versions not stated): gnomAD exomes 0.00011 and 0.00019; gnomAD 0.00014 and 0.00015; ExAC 0.00016; TOPMed 0.00020; ESP Exome Variant Server 0.00033.
gnomAD v4.1: 307 of 1,611,276 alleles (0.019%); highest among the groups gnomAD compares: Middle Eastern, 0.049%; 1 homozygote.

Submissions (11):

GeneDx
Classification: Uncertain significance. Last evaluated: 2026-10-07. Review status: criteria provided, single submitter. Criteria: GeneDx Variant Classification Process June 2021. Collection method: clinical testing. Allele origin: germline.
Comment: Reported in a patient with generalized epilepsy and CPVT in published literature (PMID: 29261713); In silico analysis supports that this missense variant has a deleterious effect on protein structure/function; This variant is associated with the following publications: (PMID: 30602096, 36484990, 29261713)

PreventionGenetics, part of Exact Sciences
Classification: Uncertain significance for ADGRV1-related condition. Last evaluated: 2026-03-30. Review status: criteria provided, single submitter. Criteria: ACMG Guidelines, 2015. Collection method: clinical testing. Allele origin: germline.
Comment: The ADGRV1 c.2636C>T variant is predicted to result in the amino acid substitution p.Thr879Met. This variant has been reported germline in the heterozygous state in an individual with hereditary diffuse gastric cancer (Table S5, Liu et al. 2022. PubMed ID: 36484990). It has also been reported in an individual with epilepsy associated with cardiac conduction disorder/SUDEP; however, it was considered to be likely non-pathogenic in this study (Coll et al. 2017. PubMed ID: 29261713). This variant is reported in 0.023% of alleles in individuals of European (non-Finnish) descent in gnomAD. At this time, the clinical significance of this variant is uncertain due to the absence of conclusive functional and genetic evidence.

Labcorp Genetics (formerly Invitae), Labcorp
Classification: Likely benign. Last evaluated: 2026-02-01. Review status: criteria provided, single submitter. Criteria: Invitae Variant Classification Sherloc (09022015). Collection method: clinical testing. Allele origin: germline.

CeGaT Center for Human Genetics Tuebingen
Classification: Uncertain significance. Last evaluated: 2025-06-01. Review status: criteria provided, single submitter. Criteria: CeGaT Center For Human Genetics Tuebingen Variant Classification Criteria Version 2. Collection method: clinical testing. Allele origin: germline. Affected: yes. Observed: 3 variant alleles.

Blueprint Genetics
Classification: Likely benign. Last evaluated: 2024-11-26. Review status: criteria provided, single submitter. Criteria: ACMG Guidelines, 2015. Collection method: clinical testing. Allele origin: germline.

Fulgent Genetics
Classification: Uncertain significance for Febrile seizures, familial, 4; Usher syndrome type 2C. Last evaluated: 2021-09-09. Review status: criteria provided, single submitter. Criteria: ACMG Guidelines, 2015. Collection method: clinical testing. Allele origin: unknown.

Department of Otolaryngology – Head & Neck Surgery, Cochlear Implant Center
Classification: Uncertain significance for Hearing impairment. Last evaluated: 2021-04-12. Review status: criteria provided, single submitter. Criteria: ClinGen HL ACMG Specifications v1. Collection method: clinical testing. Allele origin: germline. Affected: yes.
Comment: PM2_Supporting, PP3_Supporting

Illumina Laboratory Services, Illumina
Classification: Uncertain significance for Usher syndrome type 2C. Last evaluated: 2018-01-13. Review status: criteria provided, single submitter. Criteria: ICSL Variant Classification Criteria 13 December 2019. Collection method: clinical testing. Allele origin: germline.

Breakthrough Genomics
Classification: Uncertain significance. Review status: criteria provided, single submitter. Criteria: ACMG Guidelines, 2015. Collection method: not provided. Allele origin: germline. Inheritance: Autosomal recessive inheritance. Affected: yes.

Clinical Genetics DNA and cytogenetics Diagnostics Lab, Erasmus MC, Erasmus Medical Center
Classification: Uncertain significance. Review status: no assertion criteria provided. Collection method: clinical testing. Allele origin: germline. Affected: yes. Study: VKGL Data-share Consensus. Not counted in ClinVar's aggregate classification.

Joint Genome Diagnostic Labs from Nijmegen and Maastricht, Radboudumc and MUMC+
Classification: Uncertain significance. Review status: no assertion criteria provided. Collection method: clinical testing. Allele origin: germline. Affected: yes. Study: VKGL Data-share Consensus. Not counted in ClinVar's aggregate classification.